The following is an entry in ClinVar:

ClinVar aggregate classification (germline): Uncertain significance. Review status: criteria provided, multiple submitters, no conflicts (2 of 4 stars). 3 submissions from 3 submitters: Uncertain significance (3). Last evaluated 2025-02-27.

Conditions:
REST-related disorder. Also called: REST-related condition.
Inborn genetic diseases. Identifiers: MedGen C0950123, MeSH D030342.

Allele frequency attached by ClinVar (database versions not stated): ExAC 0.00001; gnomAD exomes 0.00001 and 0.00003; gnomAD 0.00002; TOPMed 0.00002.
gnomAD v4.1: 40 of 1,384,986 alleles (0.0029%); highest among the groups gnomAD compares: African/African-American, 0.0064%; no homozygotes.

Submissions (3):

PreventionGenetics, part of Exact Sciences
Classification: Uncertain significance for REST-related condition. Last evaluated: 2025-02-27. Review status: criteria provided, single submitter. Criteria: ACMG Guidelines, 2015. Collection method: clinical testing. Allele origin: germline.
Comment: The REST c.2225A>G variant is predicted to result in the amino acid substitution p.Lys742Arg. To our knowledge, this variant has not been reported in the literature. This variant is reported in 0.0024% of alleles in individuals of European (Non-Finnish) descent in gnomAD and has a classification of uncertain significance in ClinVar. At this time, the clinical significance of this variant is uncertain due to the absence of conclusive functional and genetic evidence.

Labcorp Genetics (formerly Invitae), Labcorp
Classification: Uncertain significance. Last evaluated: 2023-09-26. Review status: criteria provided, single submitter. Criteria: Invitae Variant Classification Sherloc (09022015). Collection method: clinical testing. Allele origin: germline.
Comment: ClinVar contains an entry for this variant (Variation ID: 1003128). In summary, the available evidence is currently insufficient to determine the role of this variant in disease. Therefore, it has been classified as a Variant of Uncertain Significance. An algorithm developed to predict the effect of missense changes on protein structure and function (PolyPhen-2) suggests that this variant is likely to be tolerated. This variant has not been reported in the literature in individuals affected with REST-related conditions. This variant is present in population databases (rs757849649, gnomAD 0.002%). This sequence change replaces lysine, which is basic and polar, with arginine, which is basic and polar, at codon 742 of the REST protein (p.Lys742Arg).

Ambry Genetics
Classification: Uncertain significance for Inborn genetic diseases. Last evaluated: 2023-06-22. Review status: criteria provided, single submitter. Criteria: Ambry Variant Classification Scheme 2023. Collection method: clinical testing. Allele origin: germline.

NM_005612.5(REST):c.2225A>G (p.Lys742Arg)

Gene: REST (RE1 silencing transcription factor; plus strand). Cytogenetic location: 4q12.
Variant type: single nucleotide variant.
Coding change: c.2225A>G on transcript NM_005612.5 (MANE Select); coding-DNA position 2225, A replaced by G.
Protein change: p.Lys742Arg; replaces lysine 742 with arginine.
Molecular consequence: missense variant.
Genome position (GRCh38, 1-based): chr4:56,931,083, A>G. VCF-style: chr4-56931083-A-G. GRCh37 (hg19) VCF-style: chr4-57797249-A-G.
Other names: c.2225A>G, p.Lys742Arg (NM_001193508.2, NM_001363453.3); short protein forms K742R.
Identifiers: ClinVar variation 1003128 (VCV001003128.11), dbSNP rs757849649, ClinGen allele CA2932433.